The following is an entry in ClinVar:

ClinVar aggregate classification (germline): Benign/Likely benign. Review status: criteria provided, multiple submitters, no conflicts (2 of 4 stars). 3 submissions from 3 submitters: Benign (1); Likely benign (1). 1 of the submissions does not count toward it. Last evaluated 2025-05-18.

Conditions:
KCNC3-related disorder. Also called: KCNC3-related condition.
Inborn genetic diseases. Identifiers: MedGen C0950123, MeSH D030342.

Allele frequency attached by ClinVar (database versions not stated): gnomAD 0.00007; gnomAD exomes 0.00013 and 0.00030; 1000 Genomes Project 0.00020; 1000 Genomes Project 30x 0.00031; ExAC 0.00081.
gnomAD v4.1: 201 of 1,580,498 alleles (0.013%); highest among the groups gnomAD compares: South Asian, 0.21%; 4 homozygotes.

Submissions (3):

Ambry Genetics
Classification: Likely benign for Inborn genetic diseases. Last evaluated: 2025-05-18. Review status: criteria provided, single submitter. Criteria: Ambry Variant Classification Scheme 2023. Collection method: clinical testing. Allele origin: germline.

Labcorp Genetics (formerly Invitae), Labcorp
Classification: Benign. Last evaluated: 2024-12-06. Review status: criteria provided, single submitter. Criteria: Invitae Variant Classification Sherloc (09022015). Collection method: clinical testing. Allele origin: germline.

PreventionGenetics, part of Exact Sciences
Classification: Likely benign for KCNC3-related condition. Last evaluated: 2019-05-10. Review status: no assertion criteria provided. Collection method: clinical testing. Allele origin: germline. Not counted in ClinVar's aggregate classification.
Comment: This variant is classified as likely benign based on ACMG/AMP sequence variant interpretation guidelines (Richards et al. 2015 PMID: 25741868, with internal and published modifications).

NM_004977.3(KCNC3):c.1719C>G (p.Asn573Lys)

Gene: KCNC3 (potassium voltage-gated channel subfamily C member 3; minus strand). Cytogenetic location: 19q13.33.
Variant type: single nucleotide variant.
Coding change: c.1719C>G on transcript NM_004977.3 (MANE Select); coding-DNA position 1719, C replaced by G.
Protein change: p.Asn573Lys; replaces asparagine 573 with lysine.
Molecular consequence: missense variant.
Genome position (GRCh38, 1-based): chr19:50,323,234, G>C on the plus strand (C>G on the coding strand, the complement: KCNC3 is on the minus strand). VCF-style: chr19-50323234-G-C. GRCh37 (hg19) VCF-style: chr19-50826491-G-C.
Other names: c.1491C>G, p.Asn497Lys (NM_001372305.1); c.1719C>G (NM_004977.2); short protein forms N497K, N573K.
Identifiers: ClinVar variation 1598835 (VCV001598835.11), dbSNP rs572684513, ClinGen allele CA9594182.